The following is an entry in ClinVar:

NM_000836.4(GRIN2D):c.3520G>A (p.Gly1174Ser)

Gene: GRIN2D (glutamate ionotropic receptor NMDA type subunit 2D; plus strand). Cytogenetic location: 19q13.33.
Variant type: single nucleotide variant.
Coding change: c.3520G>A on transcript NM_000836.4 (MANE Select); coding-DNA position 3520, G replaced by A.
Protein change: p.Gly1174Ser; replaces glycine 1174 with serine.
Molecular consequence: missense variant.
Genome position (GRCh38, 1-based): chr19:48,443,446, G>A. VCF-style: chr19-48443446-G-A. GRCh37 (hg19) VCF-style: chr19-48946703-G-A.
Other names: short protein forms G1174S.
Identifiers: ClinVar variation 1940101 (VCV001940101.5), dbSNP rs1971333853, ClinGen allele CA406676646.

ClinVar aggregate classification (germline): Uncertain significance (1 of 4 stars; one submission).

Submission:

Labcorp Genetics (formerly Invitae), Labcorp
Classification: Uncertain significance. Last evaluated: 2023-10-05. Review status: criteria provided, single submitter. Criteria: Invitae Variant Classification Sherloc (09022015). Collection method: clinical testing. Allele origin: germline.
Comment: This sequence change replaces glycine, which is neutral and non-polar, with serine, which is neutral and polar, at codon 1174 of the GRIN2D protein (p.Gly1174Ser). This variant is not present in population databases (gnomAD no frequency). This variant has not been reported in the literature in individuals affected with GRIN2D-related conditions. ClinVar contains an entry for this variant (Variation ID: 1940101). Advanced modeling of protein sequence and biophysical properties (such as structural, functional, and spatial information, amino acid conservation, physicochemical variation, residue mobility, and thermodynamic stability) performed at Invitae indicates that this missense variant is not expected to disrupt GRIN2D protein function. In summary, the available evidence is currently insufficient to determine the role of this variant in disease. Therefore, it has been classified as a Variant of Uncertain Significance.